The following is an entry in ClinVar:

NM_006231.4(POLE):c.4775A>G (p.Glu1592Gly)

Gene: POLE (DNA polymerase epsilon, catalytic subunit; minus strand). Cytogenetic location: 12q24.33.
Variant type: single nucleotide variant.
Coding change: c.4775A>G on transcript NM_006231.4 (MANE Select); coding-DNA position 4775, A replaced by G.
Protein change: p.Glu1592Gly; replaces glutamic acid 1592 with glycine.
Molecular consequence: missense variant.
Genome position (GRCh38, 1-based): chr12:132,642,683, T>C on the plus strand (A>G on the coding strand, the complement: POLE is on the minus strand). VCF-style: chr12-132642683-T-C. GRCh37 (hg19) VCF-style: chr12-133219269-T-C.
Other names: c.4775A>G (NM_006231.2); short protein forms E1592G.
Identifiers: ClinVar variation 1488942 (VCV001488942.7), dbSNP rs115873219, ClinGen allele CA6892714.

ClinVar aggregate classification (germline): Uncertain significance. Review status: criteria provided, multiple submitters, no conflicts (2 of 4 stars). 2 submissions from 2 submitters: Uncertain significance (2). Last evaluated 2023-12-21.

Conditions:
Hereditary cancer-predisposing syndrome. Also called: Hereditary neoplastic syndrome; Neoplastic Syndromes, Hereditary; Hereditary Cancer Syndrome; Tumor predisposition. Identifiers: Orphanet 140162, MedGen C0027672, MeSH D009386, MONDO:0015356.

Allele frequency attached by ClinVar (database versions not stated): gnomAD 0.00001; gnomAD exomes 0.00001 and 0.00002; ExAC 0.00003; 1000 Genomes Project 30x 0.00016; 1000 Genomes Project 0.00020.
gnomAD v4.1: 8 of 1,613,782 alleles (0.0005%); highest among the groups gnomAD compares: Non-Finnish European, 0.00068%; no homozygotes.

Submissions (2):

Ambry Genetics
Classification: Uncertain significance for Hereditary cancer-predisposing syndrome. Last evaluated: 2023-12-21. Review status: criteria provided, single submitter. Criteria: Ambry Variant Classification Scheme 2023. Collection method: clinical testing. Allele origin: germline.
Comment: The p.E1592G variant (also known as c.4775A>G), located in coding exon 37 of the POLE gene, results from an A to G substitution at nucleotide position 4775. The glutamic acid at codon 1592 is replaced by glycine, an amino acid with similar properties. This amino acid position is conserved. In addition, this alteration is predicted to be tolerated by in silico analysis. Since supporting evidence is limited at this time, the clinical significance of this alteration remains unclear.

Labcorp Genetics (formerly Invitae), Labcorp
Classification: Uncertain significance. Last evaluated: 2023-06-11. Review status: criteria provided, single submitter. Criteria: Invitae Variant Classification Sherloc (09022015). Collection method: clinical testing. Allele origin: germline.
Comment: This variant has not been reported in the literature in individuals affected with POLE-related conditions. In summary, the available evidence is currently insufficient to determine the role of this variant in disease. Therefore, it has been classified as a Variant of Uncertain Significance. Advanced modeling of protein sequence and biophysical properties (such as structural, functional, and spatial information, amino acid conservation, physicochemical variation, residue mobility, and thermodynamic stability) performed at Invitae indicates that this missense variant is not expected to disrupt POLE protein function. ClinVar contains an entry for this variant (Variation ID: 1488942). This variant is present in population databases (rs115873219, gnomAD 0.004%). This sequence change replaces glutamic acid, which is acidic and polar, with glycine, which is neutral and non-polar, at codon 1592 of the POLE protein (p.Glu1592Gly).